The following is an entry in ClinVar:

NM_001009944.3(PKD1):c.6307C>T (p.Gln2103Ter)

Gene: PKD1 (polycystin 1, transient receptor potential channel interacting; minus strand). Cytogenetic location: 16p13.3.
Variant type: single nucleotide variant.
Coding change: c.6307C>T on transcript NM_001009944.3 (MANE Select); coding-DNA position 6307, C replaced by T.
Protein change: p.Gln2103Ter; replaces glutamine 2103 with a stop codon.
Molecular consequence: nonsense.
Genome position (GRCh38, 1-based): chr16:2,108,860, G>A on the plus strand (C>T on the coding strand, the complement: PKD1 is on the minus strand). VCF-style: chr16-2108860-G-A. GRCh37 (hg19) VCF-style: chr16-2158861-G-A.
Other names: c.6307C>T, p.Gln2103Ter (NM_000296.4); short protein forms Q2103*.
Identifiers: ClinVar variation 433971 (VCV000433971.6), dbSNP rs1555454512, ClinGen allele CA394373822.

ClinVar aggregate classification (germline): Pathogenic. Review status: criteria provided, multiple submitters, no conflicts (2 of 4 stars). 4 submissions from 4 submitters: Pathogenic (3). 1 of the submissions does not count toward it. Last evaluated 2025-11-05.

Conditions:
Polycystic kidney disease. Also called: Kidney, Polycystic; Polycystic kidney dysplasia. Identifiers: MedGen C0022680, MeSH D007690, MONDO:0020642, HP:0000113.
PKD1-related disorder. Also called: PKD1-related condition.
Polycystic kidney disease, adult type (PKD1). Also called: POLYCYSTIC KIDNEY DISEASE, ADULT, TYPE I; Polycystic Kidney Disease 1, Autosomal Dominant; Polycystic kidney disease 1; Polycystic kidney disease 1, severe; Polycystic Kidney, Autosomal Dominant; POLYCYSTIC KIDNEY DISEASE 1 WITH OR WITHOUT POLYCYSTIC LIVER DISEASE. Identifiers: MedGen C3149841, MONDO:0008263, OMIM 173900.

Submissions (4):

Department of Human Genetics, Hannover Medical School
Classification: Pathogenic for Polycystic kidney disease, adult type. Last evaluated: 2025-11-05. Review status: criteria provided, single submitter. Criteria: ACMG Guidelines, 2015. Collection method: clinical testing. Allele origin: germline. Affected: yes.
Comment: PVS1, PM2_Supporting, PP4_Strong

Blueprint Genetics
Classification: Pathogenic for PKD1-related disorders. Last evaluated: 2024-10-02. Review status: criteria provided, single submitter. Criteria: ACMG Guidelines, 2015. Collection method: clinical testing. Allele origin: germline. Affected: yes. Observed: 1 variant allele.

Athena Diagnostics
Classification: Pathogenic. Last evaluated: 2019-09-25. Review status: criteria provided, single submitter. Criteria: Athena Diagnostics Criteria. Collection method: clinical testing. Allele origin: unknown.
Comment: The variant creates a premature nonsense codon, and is therefore predicted to result in the loss of a functional protein. Found in at least one patient with expected phenotype for this gene, and not found in general population data.

Department of Pathology and Laboratory Medicine, Sinai Health System
Classification: Pathogenic for Polycystic Kidney disease. Review status: no assertion criteria provided. Collection method: clinical testing. Allele origin: unknown. Affected: yes. Observed: 2 variant alleles. Study: The Canadian Open Genetics Repository (COGR). Not counted in ClinVar's aggregate classification.
Comment: The PKD1, p.Gln2103X variant was not identified in the literature nor was it identified in the dbSNP, NHLBI Exome Sequencing Project, Exome Aggregation Consortium (March 16, 2014), Clinvitae, ClinVar, GeneInsight COGR, MutDB, or PKD1-LOVD databases. The PKD1 p.Gln2103X variant was identified in ADPKD Mutation Database (classified as pathogenic) and PKD1-LOVD 3.0 (classified as pathogenic). The p.Gln2103X variant leads to a premature stop codon at position 2103, which is predicted to lead to a truncated or absent protein and loss of function. Loss of function variants of the PKD1 gene are an established mechanism of disease in autosomal dominant polycystic kidney disease and is the type of variant expected to cause the disorder. In summary, based on the above information, this variant meets our laboratoryâ€šÃ„Ã´s criteria to be classified as pathogenic.

Literature cited by the submitters: PubMed 22508176 (cited by Athena Diagnostics); PubMed 27782177 (cited by Athena Diagnostics); PubMed 29338003 (cited by Athena Diagnostics).